The following is an entry in ClinVar:

ClinVar aggregate classification (germline): Uncertain significance (1 of 4 stars; one submission).

Conditions:
Combined immunodeficiency due to DOCK8 deficiency (HIES2). Also called: HIES autosomal recessive; Hyper-IgE recurrent infection syndrome, autosomal recessive; HYPER-IgE RECURRENT INFECTION SYNDROME 2, AUTOSOMAL RECESSIVE; HYPER-IgE SYNDROME 2, AUTOSOMAL RECESSIVE, WITH RECURRENT INFECTIONS; DOCK8 Deficiency. Identifiers: Orphanet 217390, MedGen C4722305, MONDO:0009478, OMIM 243700.

Submission:

Labcorp Genetics (formerly Invitae), Labcorp
Classification: Uncertain significance for Combined immunodeficiency due to DOCK8 deficiency. Last evaluated: 2019-06-26. Review status: criteria provided, single submitter. Criteria: Invitae Variant Classification Sherloc (09022015). Collection method: clinical testing. Allele origin: germline.
Comment: Algorithms developed to predict the effect of missense changes on protein structure and function (SIFT, PolyPhen-2, Align-GVGD) all suggest that this variant is likely to be disruptive, but these predictions have not been confirmed by published functional studies and their clinical significance is uncertain. In summary, the available evidence is currently insufficient to determine the role of this variant in disease. Therefore, it has been classified as a Variant of Uncertain Significance. This variant has not been reported in the literature in individuals with DOCK8-related conditions. This variant is not present in population databases (ExAC no frequency). This sequence change replaces glycine with arginine at codon 1265 of the DOCK8 protein (p.Gly1265Arg). The glycine residue is highly conserved and there is a moderate physicochemical difference between glycine and arginine.

NM_203447.4(DOCK8):c.3793G>A (p.Gly1265Arg)

Gene: DOCK8 (dedicator of cytokinesis 8; plus strand). Cytogenetic location: 9p24.3.
Variant type: single nucleotide variant.
Coding change: c.3793G>A on transcript NM_203447.4 (MANE Select); coding-DNA position 3793, G replaced by A.
Protein change: p.Gly1265Arg; replaces glycine 1265 with arginine.
Molecular consequence: missense variant.
Genome position (GRCh38, 1-based): chr9:418,160, G>A. VCF-style: chr9-418160-G-A. GRCh37 (hg19) VCF-style: chr9-418160-G-A.
Other names: c.3493G>A, p.Gly1165Arg (NM_001190458.2); c.3589G>A, p.Gly1197Arg (NM_001193536.2); short protein forms G1265R, G1165R, G1197R.
Identifiers: ClinVar variation 934567 (VCV000934567.10), dbSNP rs2056112356, ClinGen allele CA372762330.